The following is an entry in ClinVar:

ClinVar aggregate classification (germline): Pathogenic. Review status: criteria provided, multiple submitters, no conflicts (2 of 4 stars). 2 submissions from 2 submitters: Pathogenic (2). Last evaluated 2023-09-21.

Conditions:
Autosomal recessive polycystic kidney disease (ARPKD). Also called: AR polycystic kidney disease. Identifiers: Orphanet 731, Orphanet 8378, MedGen C0085548, MeSH D017044, MONDO:0009889.
Polycystic kidney disease 4 (PKD4). Also called: POLYCYSTIC KIDNEY DISEASE 4 WITH OR WITHOUT POLYCYSTIC LIVER DISEASE; POLYCYSTIC KIDNEY AND HEPATIC DISEASE 1; POLYCYSTIC KIDNEY DISEASE, INFANTILE, TYPE I; PKD3; Autosomal Recessive Polycystic Kidney Disease – PKHD1. Identifiers: MedGen C4540575, MONDO:0033004, OMIM 263200.

Submissions (2):

Myriad Genetics, Inc.
Classification: Pathogenic for Polycystic kidney disease 4. Last evaluated: 2023-09-21. Review status: criteria provided, single submitter. Criteria: Myriad Autosomal Dominant, Autosomal Recessive and X-Linked Classification Criteria (2023). Collection method: clinical testing. Allele origin: unknown.
Comment: NM_138694.3(PKHD1):c.3921delA(G1308Efs*8) is expected to be pathogenic in the context of autosomal recessive polycystic kidney disease, PKHD1-related. This variant is predicted to lead to an abnormal or absent protein product due to the creation of a premature termination codon in PKHD1, a gene where loss-of-function variants are known to be pathogenic. Please note: this variant was assessed in the context of healthy population screening.

Labcorp Genetics (formerly Invitae), Labcorp
Classification: Pathogenic for Autosomal recessive polycystic kidney disease. Last evaluated: 2022-07-18. Review status: criteria provided, single submitter. Criteria: Invitae Variant Classification Sherloc (09022015). Collection method: clinical testing. Allele origin: germline.
Comment: This variant is not present in population databases (gnomAD no frequency). This sequence change creates a premature translational stop signal (p.Gly1308Glufs*8) in the PKHD1 gene. It is expected to result in an absent or disrupted protein product. Loss-of-function variants in PKHD1 are known to be pathogenic (PMID: 19940839). For these reasons, this variant has been classified as Pathogenic. This variant has not been reported in the literature in individuals affected with PKHD1-related conditions.

Literature cited by the submitters: PubMed 19940839 (cited by Labcorp Genetics (formerly Invitae), Labcorp).

NM_138694.4(PKHD1):c.3921del (p.Gly1308fs)

Gene: PKHD1 (PKHD1 ciliary IPT domain containing fibrocystin/polyductin; minus strand). Cytogenetic location: 6p12.2.
Variant type: Deletion.
Coding change: c.3921del on transcript NM_138694.4 (MANE Select); coding-DNA position 3921, one base deleted (A; older notation c.3921delA).
Protein change: p.Gly1308fs; shifts the reading frame from glycine 1308.
Molecular consequence: frameshift variant.
Genome position (GRCh38, 1-based): chr6:52,025,889, T deleted on the plus strand (A on the coding strand, the reverse complement: PKHD1 is on the minus strand); the first of 2 consecutive T bases (chr6:52,025,889-52,025,890); deleting either gives the same sequence. VCF-style (leftmost placement, unchanged base first): chr6-52025888-CT-C. GRCh37 (hg19) VCF-style: chr6-51890686-CT-C.
Other names: c.3921del, p.Gly1308fs (NM_170724.3); short protein forms G1308fs.
Identifiers: ClinVar variation 2018013 (VCV002018013.5), dbSNP rs2532731537, ClinGen allele CA2580075460.